The following is an entry in ClinVar:

ClinVar aggregate classification (germline): Pathogenic (1 of 4 stars; one submission).

Conditions:
Mendelian susceptibility to mycobacterial diseases due to complete IL12RB1 deficiency. Also called: IL12RB1 DEFICIENCY; Immunodeficiency 30. Identifiers: Orphanet 319552, MedGen C4013949, MONDO:0013955, OMIM 614891.

Submission:

Labcorp Genetics (formerly Invitae), Labcorp
Classification: Pathogenic for Mendelian susceptibility to mycobacterial diseases due to complete IL12RB1 deficiency. Last evaluated: 2021-01-26. Review status: criteria provided, single submitter. Criteria: Invitae Variant Classification Sherloc (09022015). Collection method: clinical testing. Allele origin: germline.
Comment: For these reasons, this variant has been classified as Pathogenic. This variant has been observed in individual(s) with mendelian susceptibility to mycobacterial disease (PMID: 26621323). This variant is not present in population databases (ExAC no frequency). This sequence change creates a premature translational stop signal (p.Gln264*) in the IL12RB1 gene. It is expected to result in an absent or disrupted protein product. Loss-of-function variants in IL12RB1 are known to be pathogenic (PMID: 9603733, 12591909).

Literature cited by the submitters: PubMed 26621323; PubMed 9603733; PubMed 12591909.

NM_005535.3(IL12RB1):c.790C>T (p.Gln264Ter)

Gene: IL12RB1 (interleukin 12 receptor subunit beta 1; minus strand). Cytogenetic location: 19p13.11.
Variant type: single nucleotide variant.
Coding change: c.790C>T on transcript NM_005535.3 (MANE Select); coding-DNA position 790, C replaced by T.
Protein change: p.Gln264Ter; replaces glutamine 264 with a stop codon.
Molecular consequence: nonsense.
Genome position (GRCh38, 1-based): chr19:18,072,343, G>A on the plus strand (C>T on the coding strand, the complement: IL12RB1 is on the minus strand). VCF-style: chr19-18072343-G-A. GRCh37 (hg19) VCF-style: chr19-18183153-G-A.
Other names: c.790C>T, p.Gln264Ter (NM_001290023.2, NM_153701.3); c.910C>T, p.Gln304Ter (NM_001290024.2); short protein forms Q304*, Q264*.
Identifiers: ClinVar variation 1455005 (VCV001455005.8), dbSNP rs2146259279, ClinGen allele CA404780584.
Genomic context (GRCh38, chr19:18,072,343, plus strand): 5'-GTCGGTAAGTGACCTCCGTGCCAGGCGCCAGCCCTTGACAGCCTTCTGGAAGCTCCAGCT[G>A]GGTTGGCTGTCAGGAGTATGAAAGACAGCTTGTGGGTACCTGATCACACTCATCATCCCA-3'